The following is an entry in ClinVar:

NM_006904.7(PRKDC):c.11369C>T (p.Thr3790Ile)

Gene: PRKDC (protein kinase, DNA-activated, catalytic subunit; minus strand). Cytogenetic location: 8q11.21.
Variant type: single nucleotide variant.
Coding change: c.11369C>T on transcript NM_006904.7 (MANE Select); coding-DNA position 11369, C replaced by T.
Protein change: p.Thr3790Ile; replaces threonine 3790 with isoleucine.
Molecular consequence: missense variant.
Genome position (GRCh38, 1-based): chr8:47,782,405, G>A on the plus strand (C>T on the coding strand, the complement: PRKDC is on the minus strand). VCF-style: chr8-47782405-G-A. GRCh37 (hg19) VCF-style: chr8-48694966-G-A.
Other names: c.11369C>T, p.Thr3790Ile (NM_001081640.2); short protein forms T3790I.
Identifiers: ClinVar variation 2452970 (VCV002452970.2), dbSNP rs1245278806, ClinGen allele CA371129753.

ClinVar aggregate classification (germline): Uncertain significance (1 of 4 stars; one submission).

Submission:

Ambry Genetics
Classification: Uncertain significance. Last evaluated: 2023-02-04. Review status: criteria provided, single submitter. Criteria: Ambry Variant Classification Scheme 2023. Collection method: clinical testing. Allele origin: germline.
Comment: The p.T3790I variant (also known as c.11369C>T), located in coding exon 79 of the PRKDC gene, results from a C to T substitution at nucleotide position 11369. The threonine at codon 3790 is replaced by isoleucine, an amino acid with similar properties. This amino acid position is conserved. Since supporting evidence is limited at this time, the clinical significance of this alteration remains unclear.